The following is an entry in ClinVar:

ClinVar aggregate classification (germline): Pathogenic (1 of 4 stars; one submission).

Conditions:
Developmental and epileptic encephalopathy, 32 (DEE32). Also called: Epileptic encephalopathy, early infantile, 32. Identifiers: Orphanet 442835, MedGen C4225350, MONDO:0014607, OMIM 616366.

Submission:

Labcorp Genetics (formerly Invitae), Labcorp
Classification: Pathogenic for Epileptic encephalopathy, early infantile, 32. Last evaluated: 2019-01-18. Review status: criteria provided, single submitter. Criteria: Invitae Variant Classification Sherloc (09022015). Collection method: clinical testing. Allele origin: germline.
Comment: A gross deletion of the genomic region encompassing the full coding sequence of the KCNA2 gene has been identified. The boundaries of this event are unknown as the deletion extends beyond the assayed region for this gene and therefore may encompass additional genes. Isolated whole-gene deletions of KCNA2 have not been reported in the literature. However, larger copy number events that include this gene have been reported (PMID: 25950944). Loss-of-function variants in KCNA2 are known to be pathogenic (PMID: 17634333, 27457812). For these reasons, this variant has been classified as Pathogenic.

Literature cited by the submitters: PubMed 25950944.

NC_000001.11:g.(?_110593873)_(110604802_?)del

Gene: KCNA2 (potassium voltage-gated channel subfamily A member 2; minus strand). Cytogenetic location: 1p13.3.
Variant type: Deletion.
Identifiers: ClinVar variation 830850 (VCV000830850.1).